The following is an entry in ClinVar:

NM_024407.5(NDUFS7):c.16+1G>C

Gene: NDUFS7 (NADH:ubiquinone oxidoreductase core subunit S7; plus strand). Cytogenetic location: 19p13.3.
Variant type: single nucleotide variant.
Coding change: c.16+1G>C on transcript NM_024407.5 (MANE Select); the canonical splice donor site of the intron after coding-DNA position 16, G replaced by C.
Molecular consequence: splice donor variant.
Genome position (GRCh38, 1-based): chr19:1,383,943, G>C. VCF-style: chr19-1383943-G-C. GRCh37 (hg19) VCF-style: chr19-1383942-G-C.
Other names: c.16+1G>C (NM_001363602.2).
Identifiers: ClinVar variation 2725699 (VCV002725699.3), dbSNP rs1268314487, ClinGen allele CA402980898.

ClinVar aggregate classification (germline): Likely pathogenic (1 of 4 stars; one submission).

Submission:

Labcorp Genetics (formerly Invitae), Labcorp
Classification: Likely pathogenic. Last evaluated: 2023-06-23. Review status: criteria provided, single submitter. Criteria: Invitae Variant Classification Sherloc (09022015). Collection method: clinical testing. Allele origin: germline.
Comment: In summary, the currently available evidence indicates that the variant is pathogenic, but additional data are needed to prove that conclusively. Therefore, this variant has been classified as Likely Pathogenic. Algorithms developed to predict the effect of sequence changes on RNA splicing suggest that this variant may disrupt the consensus splice site. This variant has not been reported in the literature in individuals affected with NDUFS7-related conditions. This variant is not present in population databases (gnomAD no frequency). This sequence change affects a donor splice site in intron 1 of the NDUFS7 gene. It is expected to disrupt RNA splicing. Variants that disrupt the donor or acceptor splice site typically lead to a loss of protein function (PMID: 16199547), and loss-of-function variants in NDUFS7 are known to be pathogenic (PMID: 17604671).

Literature cited by the submitters: PubMed 16199547; PubMed 17604671.